The following is an entry in ClinVar:

ClinVar aggregate classification (germline): Uncertain significance (1 of 4 stars; one submission).

Conditions:
PLXNA4-related disorder. Also called: PLXNA4-related condition.

Allele frequency attached by ClinVar (database versions not stated): gnomAD exomes 0.00004; ExAC 0.00012; gnomAD 0.00032; TOPMed 0.00033; ESP Exome Variant Server 0.00041.
gnomAD v4.1: 107 of 1,614,150 alleles (0.0066%); highest among the groups gnomAD compares: African/African-American, 0.12%; no homozygotes.

Submission:

PreventionGenetics, part of Exact Sciences
Classification: Uncertain significance for PLXNA4-related condition. Last evaluated: 2026-04-20. Review status: criteria provided, single submitter. Criteria: ACMG Guidelines, 2015. Collection method: clinical testing. Allele origin: germline.
Comment: The PLXNA4 c.3304G>A variant is predicted to result in the amino acid substitution p.Ala1102Thr. To our knowledge, this variant has not been reported in the literature. This variant is reported in 0.13% of alleles in individuals of African descent in gnomAD, which may be too common to be an undocumented pathogenic variant. Although we suspect that this variant may be benign, at this time, the clinical significance of this variant is uncertain due to the absence of conclusive functional and genetic evidence.

NM_020911.2(PLXNA4):c.3304G>A (p.Ala1102Thr)

Gene: PLXNA4 (plexin A4; minus strand). Cytogenetic location: 7q32.3.
Variant type: single nucleotide variant.
Coding change: c.3304G>A on transcript NM_020911.2 (MANE Select); coding-DNA position 3304, G replaced by A.
Protein change: p.Ala1102Thr; replaces alanine 1102 with threonine.
Molecular consequence: missense variant.
Genome position (GRCh38, 1-based): chr7:132,181,569, C>T on the plus strand (G>A on the coding strand, the complement: PLXNA4 is on the minus strand). VCF-style: chr7-132181569-C-T. GRCh37 (hg19) VCF-style: chr7-131866328-C-T.
Other names: c.3304G>A, p.Ala1102Thr (NM_001393897.1); short protein forms A1102T.
Identifiers: ClinVar variation 2635711 (VCV002635711.4), dbSNP rs200118897, ClinGen allele CA4489523.